The following is an entry in ClinVar:

ClinVar aggregate classification (germline): Uncertain significance (1 of 4 stars; one submission).

Conditions:
Hereditary cancer-predisposing syndrome. Also called: Tumor predisposition; Neoplastic Syndromes, Hereditary; Hereditary Cancer Syndrome; Hereditary neoplastic syndrome. Identifiers: Orphanet 140162, MedGen C0027672, MeSH D009386, MONDO:0015356.

Submission:

Ambry Genetics
Classification: Uncertain significance for Hereditary cancer-predisposing syndrome. Last evaluated: 2026-02-05. Review status: criteria provided, single submitter. Criteria: Ambry Variant Classification Scheme 2023. Collection method: clinical testing. Allele origin: germline.
Comment: The p.A614T variant (also known as c.1840G>A) is located in coding exon 17 of the TSC2 gene. The alanine at codon 614 is replaced by threonine, an amino acid with similar properties. This change occurs in the first base pair of coding exon 17. This nucleotide position is highly conserved in available vertebrate species. This amino acid position is not well conserved in available vertebrate species. In addition, the in silico prediction for this alteration is inconclusive. Based on the available evidence, the clinical significance of this variant remains unclear.

NM_000548.5(TSC2):c.1840G>A (p.Ala614Thr)

Gene: TSC2 (TSC complex subunit 2; plus strand). Cytogenetic location: 16p13.3.
Variant type: single nucleotide variant.
Coding change: c.1840G>A on transcript NM_000548.5 (MANE Select); coding-DNA position 1840, G replaced by A.
Protein change: p.Ala614Thr; replaces alanine 614 with threonine.
Molecular consequence: missense variant.
Genome position (GRCh38, 1-based): chr16:2,071,510, G>A. VCF-style: chr16-2071510-G-A. GRCh37 (hg19) VCF-style: chr16-2121511-G-A.
Other names: c.1840G>A, p.Ala614Thr (NM_001077183.3, NM_001114382.3, NM_001363528.2 and 3 more transcripts); c.1729G>A, p.Ala577Thr (NM_001318827.2); c.1693G>A, p.Ala565Thr (NM_001318829.2); c.1240G>A, p.Ala414Thr (NM_001318831.2); c.1873G>A, p.Ala625Thr (NM_001318832.2); short protein forms A565T, A625T, A577T, A414T, A614T.
Identifiers: ClinVar variation 820169 (VCV000820169.5), dbSNP rs397515199, ClinGen allele CA394273028.